The following is an entry in ClinVar:

ClinVar aggregate classification (germline): Uncertain significance (1 of 4 stars; one submission).

gnomAD v4.1: 5 of 1,598,454 alleles (0.00031%); highest among the groups gnomAD compares: African/African-American, 0.0013%; no homozygotes.

Submission:

Labcorp Genetics (formerly Invitae), Labcorp
Classification: Uncertain significance. Last evaluated: 2025-04-01. Review status: criteria provided, single submitter. Criteria: Invitae Variant Classification Sherloc (09022015). Collection method: clinical testing. Allele origin: germline.
Comment: This sequence change replaces aspartic acid, which is acidic and polar, with glutamic acid, which is acidic and polar, at codon 248 of the SLC12A2 protein (p.Asp248Glu). This variant is not present in population databases (gnomAD no frequency). This variant has not been reported in the literature in individuals affected with SLC12A2-related conditions. Invitae Evidence Modeling of protein sequence and biophysical properties (such as structural, functional, and spatial information, amino acid conservation, physicochemical variation, residue mobility, and thermodynamic stability) indicates that this missense variant is not expected to disrupt SLC12A2 protein function with a negative predictive value of 95%. In summary, the available evidence is currently insufficient to determine the role of this variant in disease. Therefore, it has been classified as a Variant of Uncertain Significance.

NM_001046.3(SLC12A2):c.744C>A (p.Asp248Glu)

Gene: SLC12A2 (solute carrier family 12 member 2; plus strand). Cytogenetic location: 5q23.3.
Variant type: single nucleotide variant.
Coding change: c.744C>A on transcript NM_001046.3 (MANE Select); coding-DNA position 744, C replaced by A.
Protein change: p.Asp248Glu; replaces aspartic acid 248 with glutamic acid.
Molecular consequence: missense variant. On other transcripts: non-coding transcript variant (1).
Genome position (GRCh38, 1-based): chr5:128,084,698, C>A. VCF-style: chr5-128084698-C-A. GRCh37 (hg19) VCF-style: chr5-127420390-C-A.
Other names: c.744C>A, p.Asp248Glu (NM_001256461.2); short protein forms D248E.
Identifiers: ClinVar variation 4691020 (VCV004691020.1).